The following is an entry in ClinVar:

NC_000003.11:g.(?_50338409)_(50341042_?)del

Gene: HYAL1 (hyaluronidase 1; minus strand). Cytogenetic location: 3p21.31.
Variant type: Deletion.
Identifiers: ClinVar variation 1458685 (VCV001458685.5).

ClinVar aggregate classification (germline): Pathogenic (1 of 4 stars; one submission).

Conditions:
Deficiency of hyaluronoglucosaminidase (MPS9). Also called: HYALURONIDASE DEFICIENCY; Mucopolysaccharidosis type 9; MPS IX. Identifiers: Orphanet 67041, MedGen C1291490, MONDO:0011093, OMIM 601492.

Submission:

Labcorp Genetics (formerly Invitae), Labcorp
Classification: Pathogenic for Deficiency of hyaluronoglucosaminidase. Last evaluated: 2022-11-21. Review status: criteria provided, single submitter. Criteria: Invitae Variant Classification Sherloc (09022015). Collection method: clinical testing. Allele origin: germline.
Comment: For these reasons, this variant has been classified as Pathogenic. This variant has not been reported in the literature in individuals affected with HYAL1-related conditions. This variant is a gross deletion of the genomic region encompassing exon(s) 4-5 of the HYAL1 gene, which includes the initiator codon. This deletion extends beyond the assayed region for this gene and therefore may encompass additional genes. It is expected to result in an absent or disrupted protein product. Loss-of-function variants in HYAL1 are known to be pathogenic (PMID: 10339581, 21559944).

Literature cited by the submitters: PubMed 10339581; PubMed 21559944.